The following is an entry in ClinVar:

NM_001283009.2(RTEL1):c.2657A>T (p.Glu886Val)

Genes: RTEL1 (regulator of telomere elongation helicase 1; plus strand), RTEL1-TNFRSF6B (RTEL1-TNFRSF6B readthrough (NMD candidate); plus strand). Cytogenetic location: 20q13.33.
Variant type: single nucleotide variant.
Coding change: c.2657A>T on transcript NM_001283009.2 (MANE Select); coding-DNA position 2657, A replaced by T.
Protein change: p.Glu886Val; replaces glutamic acid 886 with valine.
Molecular consequence: missense variant. On other transcripts: non-coding transcript variant (1).
Genome position (GRCh38, 1-based): chr20:63,692,809, A>T. VCF-style: chr20-63692809-A-T. GRCh37 (hg19) VCF-style: chr20-62324162-A-T.
Other names: c.1988A>T, p.Glu663Val (NM_001283010.1); c.2657A>T, p.Glu886Val (NM_016434.4); c.2729A>T, p.Glu910Val (NM_032957.5); short protein forms E663V, E910V, E886V.
Identifiers: ClinVar variation 3435971 (VCV003435971.1).
Genomic context (GRCh38, chr20:63,692,809, plus strand): 5'-CCAGGGACCAGATGATGAGGCTGGCCCTGATGGAGCCTCGGGCCTGTGTCCTGCAGGAGG[A>T]GCCCGTGGCTGGTGCACAGACGGACAGGGCCAAGCTCTTCATGGTGGCCGTGAAGCAGGA-3'
Protein context (NP_001269938.1, residues 876-896): KKIRLVSHPE[Glu886Val]PVAGAQTDRA

ClinVar aggregate classification (germline): Uncertain significance (1 of 4 stars; one submission).

Conditions:
Inborn genetic diseases. Identifiers: MedGen C0950123, MeSH D030342.

Submission:

Ambry Genetics
Classification: Uncertain significance for Inborn genetic diseases. Last evaluated: 2024-11-25. Review status: criteria provided, single submitter. Criteria: Ambry Variant Classification Scheme 2023. Collection method: clinical testing. Allele origin: germline.
Comment: The p.E886V variant (also known as c.2657A>T), located in coding exon 28 of the RTEL1 gene, results from an A to T substitution at nucleotide position 2657. The glutamic acid at codon 886 is replaced by valine, an amino acid with dissimilar properties. This amino acid position is conserved. In addition, this alteration is predicted to be tolerated by in silico analysis. Based on the available evidence, the clinical significance of this variant remains unclear.